The following is an entry in ClinVar:

NM_033100.4(CDHR1):c.725T>C (p.Met242Thr)

Gene: CDHR1 (cadherin related family member 1; plus strand). Cytogenetic location: 10q23.1.
Variant type: single nucleotide variant.
Coding change: c.725T>C on transcript NM_033100.4 (MANE Select); coding-DNA position 725, T replaced by C.
Protein change: p.Met242Thr; replaces methionine 242 with threonine.
Molecular consequence: missense variant.
Genome position (GRCh38, 1-based): chr10:84,203,065, T>C. VCF-style: chr10-84203065-T-C. GRCh37 (hg19) VCF-style: chr10-85962821-T-C.
Other names: c.725T>C, p.Met242Thr (NM_001171971.3); short protein forms M242T.
Identifiers: ClinVar variation 1354235 (VCV001354235.8), dbSNP rs143784381, ClinGen allele CA5579653.

ClinVar aggregate classification (germline): Uncertain significance (1 of 4 stars; one submission).

Allele frequency attached by ClinVar (database versions not stated): ExAC 0.00001; gnomAD exomes 0.00001 and 0.00002; TOPMed 0.00001; ESP Exome Variant Server 0.00008.

Submission:

Labcorp Genetics (formerly Invitae), Labcorp
Classification: Uncertain significance. Last evaluated: 2024-02-19. Review status: criteria provided, single submitter. Criteria: Invitae Variant Classification Sherloc (09022015). Collection method: clinical testing. Allele origin: germline.
Comment: This sequence change replaces methionine, which is neutral and non-polar, with threonine, which is neutral and polar, at codon 242 of the CDHR1 protein (p.Met242Thr). This variant is present in population databases (rs143784381, gnomAD 0.003%). This variant has not been reported in the literature in individuals affected with CDHR1-related conditions. ClinVar contains an entry for this variant (Variation ID: 1354235). Advanced modeling of protein sequence and biophysical properties (such as structural, functional, and spatial information, amino acid conservation, physicochemical variation, residue mobility, and thermodynamic stability) performed at Invitae indicates that this missense variant is not expected to disrupt CDHR1 protein function with a negative predictive value of 80%. In summary, the available evidence is currently insufficient to determine the role of this variant in disease. Therefore, it has been classified as a Variant of Uncertain Significance.